The following is an entry in ClinVar:

ClinVar aggregate classification (germline): Uncertain significance (1 of 4 stars; one submission).

Conditions:
Nephronophthisis 14 (NPHP14). Identifiers: Orphanet 2318, MedGen C3539071, MONDO:0013916, OMIM 614844.

Submission:

Labcorp Genetics (formerly Invitae), Labcorp
Classification: Uncertain significance for Nephronophthisis 14. Last evaluated: 2025-04-07. Review status: criteria provided, single submitter. Criteria: Invitae Variant Classification Sherloc (09022015). Collection method: clinical testing. Allele origin: germline.
Comment: This sequence change replaces serine, which is neutral and polar, with leucine, which is neutral and non-polar, at codon 919 of the ZNF423 protein (p.Ser919Leu). This variant is not present in population databases (gnomAD no frequency). This variant has not been reported in the literature in individuals affected with ZNF423-related conditions. ClinVar contains an entry for this variant (Variation ID: 940852). Invitae Evidence Modeling of protein sequence and biophysical properties (such as structural, functional, and spatial information, amino acid conservation, physicochemical variation, residue mobility, and thermodynamic stability) indicates that this missense variant is not expected to disrupt ZNF423 protein function with a negative predictive value of 80%. In summary, the available evidence is currently insufficient to determine the role of this variant in disease. Therefore, it has been classified as a Variant of Uncertain Significance.

NM_001379286.1(ZNF423):c.2780C>T (p.Ser927Leu)

Gene: ZNF423 (zinc finger protein 423; minus strand). Cytogenetic location: 16q12.1.
Variant type: single nucleotide variant.
Coding change: c.2780C>T on transcript NM_001379286.1 (MANE Select); coding-DNA position 2780, C replaced by T.
Protein change: p.Ser927Leu; replaces serine 927 with leucine.
Molecular consequence: missense variant.
Genome position (GRCh38, 1-based): chr16:49,636,396, G>A on the plus strand (C>T on the coding strand, the complement: ZNF423 is on the minus strand). VCF-style: chr16-49636396-G-A. GRCh37 (hg19) VCF-style: chr16-49670307-G-A.
Other names: c.2576C>T, p.Ser859Leu (NM_001271620.2); c.2405C>T, p.Ser802Leu (NM_001330533.2); c.2756C>T, p.Ser919Leu (NM_015069.5); short protein forms S859L, S919L, S802L, S927L.
Identifiers: ClinVar variation 940852 (VCV000940852.9), dbSNP rs1972705680, ClinGen allele CA395841516.